The following is an entry in ClinVar:

NM_004006.3(DMD):c.3672dup (p.Ile1225fs)

Gene: DMD (dystrophin; minus strand). Cytogenetic location: Xp21.1.
Variant type: Duplication.
Coding change: c.3672dup on transcript NM_004006.3 (MANE Select); coding-DNA position 3672, one base duplicated (C; older notation c.3672dupC).
Protein change: p.Ile1225fs; shifts the reading frame from isoleucine 1225.
Molecular consequence: frameshift variant.
Genome position (GRCh38, 1-based): chrX:32,448,570, G duplicated on the plus strand (C on the coding strand, the reverse complement: DMD is on the minus strand). VCF-style (leftmost placement, unchanged base first): chrX-32448569-T-TG. GRCh37 (hg19) VCF-style: chrX-32466686-T-TG.
Other names: c.3648dup, p.Ile1217fs (NM_000109.4); c.3660dup, p.Ile1221fs (NM_004009.3); c.3303dup, p.Ile1102fs (NM_004010.3); short protein forms I1102fs, I1217fs, I1221fs, I1225fs.
Identifiers: ClinVar variation 4815305 (VCV004815305.1).

ClinVar aggregate classification (germline): Likely pathogenic (1 of 4 stars; one submission).

Conditions:
Becker muscular dystrophy, Cardiomyopathy, Duchenne muscular dystrophy, Dystrophin deficiency.

Submission:

Natera, Inc.
Classification: Likely pathogenic for Becker muscular dystrophy, Cardiomyopathy, Duchenne muscular dystrophy, Dystrophin deficiency. Last evaluated: 2024-08-29. Review status: criteria provided, single submitter. Criteria: Natera Variant Classification Schema (03/2026). Collection method: clinical testing. Allele origin: germline.
Comment: The c.3672dup variant in DMD is a frameshift variant predicted to shift the reading frame beginning at codon 1225 and leads to a stop codon 17 codons downstream. This variant is expected to result in nonsense mediated decay, truncation, or a dysfunctional protein product. This variant is rare in the general population with a frequency below the threshold expected for the associated phenotype(s). Given the available evidence, this variant is classified as Likely Pathogenic.